The following is an entry in ClinVar:

ClinVar aggregate classification (germline): Uncertain significance (1 of 4 stars; one submission).

Conditions:
EP300-related disorder. Also called: EP300-related condition; EP300-related disorders.

Submission:

PreventionGenetics, part of Exact Sciences
Classification: Uncertain significance for EP300-related condition. Last evaluated: 2025-05-28. Review status: criteria provided, single submitter. Criteria: ACMG Guidelines, 2015. Collection method: clinical testing. Allele origin: germline.
Comment: The EP300 c.5569A>G variant is predicted to result in the amino acid substitution p.Thr1857Ala. To our knowledge, this variant has not been reported in the literature or in a large population database (gnomAD), indicating this variant is rare. At this time, the clinical significance of this variant is uncertain due to the absence of conclusive functional and genetic evidence.

NM_001429.4(EP300):c.5569A>G (p.Thr1857Ala)

Gene: EP300 (EP300 lysine acetyltransferase; plus strand). Cytogenetic location: 22q13.2.
Variant type: single nucleotide variant.
Coding change: c.5569A>G on transcript NM_001429.4 (MANE Select); coding-DNA position 5569, A replaced by G.
Protein change: p.Thr1857Ala; replaces threonine 1857 with alanine.
Molecular consequence: missense variant.
Genome position (GRCh38, 1-based): chr22:41,177,280, A>G. VCF-style: chr22-41177280-A-G. GRCh37 (hg19) VCF-style: chr22-41573284-A-G.
Other names: c.5491A>G, p.Thr1831Ala (NM_001362843.2); short protein forms T1831A, T1857A.
Identifiers: ClinVar variation 4999032 (VCV004999032.1).